The following is an entry in ClinVar:

ClinVar aggregate classification (germline): Uncertain significance. Review status: criteria provided, multiple submitters, no conflicts (2 of 4 stars). 2 submissions from 2 submitters: Uncertain significance (2). Last evaluated 2025-05-25.

Conditions:
Inborn genetic diseases. Identifiers: MedGen C0950123, MeSH D030342.
Primary ciliary dyskinesia. Also called: Ciliary dyskinesia. Identifiers: Orphanet 244, MedGen C0008780, MONDO:0016575, HP:0012265.

gnomAD v4.1: 1 of 1,614,062 alleles (0.000062%); highest among the groups gnomAD compares: Non-Finnish European, 0.000085%; no homozygotes.

Submissions (2):

Ambry Genetics
Classification: Uncertain significance for Inborn genetic diseases. Last evaluated: 2025-05-25. Review status: criteria provided, single submitter. Criteria: Ambry Variant Classification Scheme 2023. Collection method: clinical testing. Allele origin: germline.

Labcorp Genetics (formerly Invitae), Labcorp
Classification: Uncertain significance for Primary ciliary dyskinesia. Last evaluated: 2022-08-04. Review status: criteria provided, single submitter. Criteria: Invitae Variant Classification Sherloc (09022015). Collection method: clinical testing. Allele origin: germline.
Comment: This sequence change replaces asparagine, which is neutral and polar, with serine, which is neutral and polar, at codon 701 of the DRC1 protein (p.Asn701Ser). This variant is present in population databases (no rsID available, gnomAD 0.0009%). This variant has not been reported in the literature in individuals affected with DRC1-related conditions. Algorithms developed to predict the effect of missense changes on protein structure and function (SIFT, PolyPhen-2, Align-GVGD) all suggest that this variant is likely to be tolerated. In summary, the available evidence is currently insufficient to determine the role of this variant in disease. Therefore, it has been classified as a Variant of Uncertain Significance.

NM_145038.5(DRC1):c.2102A>G (p.Asn701Ser)

Gene: DRC1 (dynein regulatory complex subunit 1; plus strand). Cytogenetic location: 2p23.3.
Variant type: single nucleotide variant.
Coding change: c.2102A>G on transcript NM_145038.5 (MANE Select); coding-DNA position 2102, A replaced by G.
Protein change: p.Asn701Ser; replaces asparagine 701 with serine.
Molecular consequence: missense variant.
Genome position (GRCh38, 1-based): chr2:26,455,169, A>G. VCF-style: chr2-26455169-A-G. GRCh37 (hg19) VCF-style: chr2-26678037-A-G.
Other names: c.2102A>G (NM_145038.2); short protein forms N701S.
Identifiers: ClinVar variation 1945215 (VCV001945215.3), dbSNP rs1463332900, ClinGen allele CA346123155.